The following is an entry in ClinVar:

NM_018095.6(KBTBD4):c.934_935delinsTGTGGAATGTT (p.Arg312delinsCysGlyMetLeu)

Gene: KBTBD4 (kelch repeat and BTB domain containing 4; minus strand). Cytogenetic location: 11p11.2.
Variant type: Indel.
Coding change: c.934_935delinsTGTGGAATGTT on transcript NM_018095.6 (MANE Select); coding-DNA positions 934 to 935, CG replaced by TGTGGAATGTT.
Protein change: p.Arg312delinsCysGlyMetLeu.
Molecular consequence: inframe indel.
Genome position (GRCh38, 1-based): chr11:47,573,600-47,573,601, CG replaced by AACATTCCACA on the plus strand (CG replaced by TGTGGAATGTT on the coding strand, the reverse complement: KBTBD4 is on the minus strand). VCF-style: chr11-47573600-CG-AACATTCCACA. GRCh37 (hg19) VCF-style: chr11-47595152-CG-AACATTCCACA.
Other names: c.1033_1034delinsTGTGGAATGTT, p.Arg345delinsCysGlyMetLeu (NM_001318716.2); c.1003_1004delinsTGTGGAATGTT, p.Arg335delinsCysGlyMetLeu (NM_001318717.2); c.961_962delinsTGTGGAATGTT, p.Arg321delinsCysGlyMetLeu (NM_001318718.2, NM_001318719.2); c.955_956delinsTGTGGAATGTT, p.Arg319delinsCysGlyMetLeu (NM_001318720.2); c.886_887delinsTGTGGAATGTT, p.Arg296delinsCysGlyMetLeu (NM_001318721.2, NM_001318722.2, NM_001318723.2 and 3 more transcripts).
Identifiers: ClinVar variation 4530474 (VCV004530474.1).

ClinVar aggregate classification (somatic clinical impact): Tier I - Strong (1 of 4 stars; one submission).

Conditions:
Medulloblastoma non-WNT/non-SHH. Identifiers: MedGen C4330667, MONDO:0850198.

Submission:

Institute for Genomic Medicine (IGM) Clinical Laboratory, Nationwide Children's Hospital
Classification: Tier I - Strong for Medulloblastoma non-WNT/non-SHH. Assertion type: diagnostic. Clinical significance: supports diagnosis. Last evaluated: 2024-11-27. Review status: criteria provided, single submitter. Criteria: AMP/ASCO/CAP Guidelines, 2017. Collection method: clinical testing. Allele origin: somatic. Affected: yes.
Comment: Variant has Tier I (strong) clinical significance as a diagnostic inclusion criterion in medulloblastoma non-WNT/non-SHH, based on the following evidence: 1) Documented in one or more cancer databases (e.g., St. Jude Pecan, COSMIC, CIViC, OncoKB). 2) Appears in one or more well-established professional guidelines (e.g., World Health Organization [WHO]; National Comprehensive Cancer Network [NCCN]) as providing diagnostic, prognostic, or therapeutic information. 3) Information in the literature supports potential biologic effect of variant (PMID: 35379950). 4) Diagnostic for a specific tumor type/classification based on well-powered studies with expert-level consensus (Evidence Level B; PMIDs: 28726821, 33172502, 35489737).

Literature cited by the submitters: PubMed 35379950; PubMed 28726821; PubMed 33172502; PubMed 35489737.